The following is an entry in ClinVar:

ClinVar aggregate classification (germline): Uncertain significance (1 of 4 stars; one submission).

Submission:

Women's Health and Genetics/Laboratory Corporation of America, LabCorp
Classification: Uncertain significance. Last evaluated: 2025-12-11. Review status: criteria provided, single submitter. Criteria: LabCorp Variant Classification Summary - May 2015. Collection method: clinical testing. Allele origin: germline.
Comment: Variant summary: MMUT c.1105C>A (p.Arg369Ser) results in a non-conservative amino acid change in the encoded protein sequence. Algorithms developed to predict the effect of missense changes on protein structure and function all suggest that this variant is likely to be disruptive. The variant was absent in 1613992 control chromosomes. To our knowledge, no occurrence of c.1105C>A in individuals affected with MMUT-related conditions and no experimental evidence demonstrating its impact on protein function have been reported. At least 2 different variants affecting the same codon have been classified as likely pathogenic/pathogenic by our lab (c.1105C>T, p.Arg369Cys and c.1106G>A, p.Arg369His), supporting the critical relevance of codon 369 to MMUT protein function. No submitters have cited clinical-significance assessments for this variant to ClinVar. Based on the evidence outlined above, the variant was classified as VUS-possibly pathogenic.

NM_000255.4(MMUT):c.1105C>A (p.Arg369Ser)

Gene: MMUT (methylmalonyl-CoA mutase; minus strand). Cytogenetic location: 6p12.3.
Variant type: single nucleotide variant.
Coding change: c.1105C>A on transcript NM_000255.4 (MANE Select); coding-DNA position 1105, C replaced by A.
Protein change: p.Arg369Ser; replaces arginine 369 with serine.
Molecular consequence: missense variant.
Genome position (GRCh38, 1-based): chr6:49,451,693, G>T on the plus strand (C>A on the coding strand, the complement: MMUT is on the minus strand). VCF-style: chr6-49451693-G-T. GRCh37 (hg19) VCF-style: chr6-49419406-G-T.
Other names: short protein forms R369S.
Identifiers: ClinVar variation 4688366 (VCV004688366.1).
Genomic context (GRCh38, chr6:49,451,693, plus strand): 5'-AATTTGTGTGCAAAGACTGAGTCCCTCCAAATACTGCTGCCATTGCTTCTATTGCAGTAC[G>T]GACAATATTATTGTAGGGATCCTAAAATATTTGATAAAAAACAAAAACTCAAAGAAACAG-3'
Protein context (NP_000246.2, residues 359-379): TEQDPYNNIV[Arg369Ser]TAIEAMAAVF